The following is an entry in ClinVar:

ClinVar aggregate classification (germline): Uncertain significance. Review status: criteria provided, multiple submitters, no conflicts (2 of 4 stars). 2 submissions from 2 submitters: Uncertain significance (2). Last evaluated 2025-07-02.

Conditions:
Inborn genetic diseases. Identifiers: MedGen C0950123, MeSH D030342.

Allele frequency attached by ClinVar (database versions not stated): gnomAD exomes below 0.00001; gnomAD 0.00001; TOPMed 0.00001.
gnomAD v4.1: 2 of 1,610,444 alleles (0.00012%); highest among the groups gnomAD compares: Admixed American, 0.0017%; no homozygotes.

Submissions (2):

Ambry Genetics
Classification: Uncertain significance for Inborn genetic diseases. Last evaluated: 2025-07-02. Review status: criteria provided, single submitter. Criteria: Ambry Variant Classification Scheme 2023. Collection method: clinical testing. Allele origin: germline.

Labcorp Genetics (formerly Invitae), Labcorp
Classification: Uncertain significance. Last evaluated: 2024-10-23. Review status: criteria provided, single submitter. Criteria: Invitae Variant Classification Sherloc (09022015). Collection method: clinical testing. Allele origin: germline.
Comment: This sequence change replaces asparagine, which is neutral and polar, with serine, which is neutral and polar, at codon 657 of the CLTC protein (p.Asn657Ser). This variant is not present in population databases (gnomAD no frequency). This variant has not been reported in the literature in individuals affected with CLTC-related conditions. Invitae Evidence Modeling of protein sequence and biophysical properties (such as structural, functional, and spatial information, amino acid conservation, physicochemical variation, residue mobility, and thermodynamic stability) indicates that this missense variant is not expected to disrupt CLTC protein function with a negative predictive value of 80%. In summary, the available evidence is currently insufficient to determine the role of this variant in disease. Therefore, it has been classified as a Variant of Uncertain Significance.

NM_004859.4(CLTC):c.1958A>G (p.Asn653Ser)

Gene: CLTC (clathrin heavy chain; plus strand). Cytogenetic location: 17q23.1.
Variant type: single nucleotide variant.
Coding change: c.1958A>G on transcript NM_004859.4 (MANE Select); coding-DNA position 1958, A replaced by G.
Protein change: p.Asn653Ser; replaces asparagine 653 with serine.
Molecular consequence: missense variant.
Genome position (GRCh38, 1-based): chr17:59,666,807, A>G. VCF-style: chr17-59666807-A-G. GRCh37 (hg19) VCF-style: chr17-57744168-A-G.
Other names: c.1970A>G, p.Asn657Ser (NM_001288653.2); c.1958A>G (NM_004859.3); short protein forms N653S, N657S.
Identifiers: ClinVar variation 3021200 (VCV003021200.4), dbSNP rs2032743355, ClinGen allele CA400428562.